The following is an entry in ClinVar:

NM_003079.5(SMARCE1):c.574G>C (p.Ala192Pro)

Gene: SMARCE1 (SWI/SNF related BAF chromatin remodeling complex subunit E1; minus strand). Cytogenetic location: 17q21.2.
Variant type: single nucleotide variant.
Coding change: c.574G>C on transcript NM_003079.5 (MANE Select); coding-DNA position 574, G replaced by C.
Protein change: p.Ala192Pro; replaces alanine 192 with proline.
Molecular consequence: missense variant.
Genome position (GRCh38, 1-based): chr17:40,632,335, C>G on the plus strand (G>C on the coding strand, the complement: SMARCE1 is on the minus strand). VCF-style: chr17-40632335-C-G. GRCh37 (hg19) VCF-style: chr17-38788587-C-G.
Other names: short protein forms A192P.
Identifiers: ClinVar variation 4845049 (VCV004845049.1).

ClinVar aggregate classification (germline): Uncertain significance (1 of 4 stars; one submission).

Conditions:
Hereditary cancer-predisposing syndrome. Also called: Neoplastic Syndromes, Hereditary; Tumor predisposition; Hereditary Cancer Syndrome; Hereditary neoplastic syndrome. Identifiers: Orphanet 140162, MedGen C0027672, MeSH D009386, MONDO:0015356.

Submission:

Ambry Genetics
Classification: Uncertain significance for Hereditary cancer-predisposing syndrome. Last evaluated: 2026-02-16. Review status: criteria provided, single submitter. Criteria: Ambry Variant Classification Scheme 2023. Collection method: clinical testing. Allele origin: germline.
Comment: The p.A192P variant (also known as c.574G>C), located in coding exon 7 of the SMARCE1 gene, results from a G to C substitution at nucleotide position 574. The alanine at codon 192 is replaced by proline, an amino acid with highly similar properties. This amino acid position is conserved. In addition, the in silico prediction for this alteration is inconclusive. Based on the available evidence, the clinical significance of this variant remains unclear.